The following is an entry in ClinVar:

ClinVar aggregate classification (germline): Uncertain significance (1 of 4 stars; one submission).

Conditions:
MHC class II deficiency. Also called: Bare lymphocyte syndrome 2; BLS, TYPE II. Identifiers: Orphanet 572, MedGen C5447452, MONDO:0008855.

Allele frequency attached by ClinVar (database versions not stated): gnomAD 0.00001.
gnomAD v4.1: 1 of 1,600,958 alleles (0.000062%); highest among the groups gnomAD compares: Admixed American, 0.0017%; no homozygotes.

Submission:

Labcorp Genetics (formerly Invitae), Labcorp
Classification: Uncertain significance for MHC class II deficiency. Last evaluated: 2022-04-20. Review status: criteria provided, single submitter. Criteria: Invitae Variant Classification Sherloc (09022015). Collection method: clinical testing. Allele origin: germline.
Comment: This sequence change replaces proline, which is neutral and non-polar, with leucine, which is neutral and non-polar, at codon 870 of the CIITA protein (p.Pro870Leu). This variant is not present in population databases (gnomAD no frequency). This variant has not been reported in the literature in individuals affected with CIITA-related conditions. Algorithms developed to predict the effect of missense changes on protein structure and function output the following: SIFT: "Tolerated"; PolyPhen-2: "Benign"; Align-GVGD: "Class C0". The leucine amino acid residue is found in multiple mammalian species, which suggests that this missense change does not adversely affect protein function. In summary, the available evidence is currently insufficient to determine the role of this variant in disease. Therefore, it has been classified as a Variant of Uncertain Significance.

NM_000246.4(CIITA):c.2609C>T (p.Pro870Leu)

Gene: CIITA (class II major histocompatibility complex transactivator; plus strand). Cytogenetic location: 16p13.13.
Variant type: single nucleotide variant.
Coding change: c.2609C>T on transcript NM_000246.4 (MANE Select); coding-DNA position 2609, C replaced by T.
Protein change: p.Pro870Leu; replaces proline 870 with leucine.
Molecular consequence: missense variant. On other transcripts: intron variant (1).
Genome position (GRCh38, 1-based): chr16:10,908,101, C>T. VCF-style: chr16-10908101-C-T. GRCh37 (hg19) VCF-style: chr16-11001958-C-T.
Other names: c.2612C>T, p.Pro871Leu (NM_001286402.1, NM_001379332.1); c.2465C>T, p.Pro822Leu (NM_001379330.1); c.2462C>T, p.Pro821Leu (NM_001379331.1); c.2609C>T, p.Pro870Leu (NM_001379333.1); c.2540C>T, p.Pro847Leu (NM_001379334.1); c.860-882C>T (NM_001286403.2); short protein forms P821L, P822L, P847L, P870L, P871L.
Identifiers: ClinVar variation 1928169 (VCV001928169.2), dbSNP rs2039305300, ClinGen allele CA394733970.